The following is an entry in ClinVar:

NM_152564.5(VPS13B):c.1108G>C (p.Asp370His)

Gene: VPS13B (vacuolar protein sorting 13 homolog B; plus strand). Cytogenetic location: 8q22.2.
Variant type: single nucleotide variant.
Coding change: c.1108G>C on transcript NM_152564.5 (MANE Select); coding-DNA position 1108, G replaced by C.
Protein change: p.Asp370His; replaces aspartic acid 370 with histidine.
Molecular consequence: missense variant. On other transcripts: non-coding transcript variant (1).
Genome position (GRCh38, 1-based): chr8:99,121,347, G>C. VCF-style: chr8-99121347-G-C. GRCh37 (hg19) VCF-style: chr8-100133575-G-C.
Other names: c.1108G>C, p.Asp370His (NM_015243.3, NM_017890.5, NM_181661.3); short protein forms D370H.
Identifiers: ClinVar variation 361040 (VCV000361040.8), dbSNP rs748531719, ClinGen allele CA4822546.

ClinVar aggregate classification (germline): Uncertain significance. Review status: criteria provided, multiple submitters, no conflicts (2 of 4 stars). 2 submissions from 2 submitters: Uncertain significance (2). Last evaluated 2025-02-19.

Conditions:
Cohen syndrome (COH1). Also called: PEPPER SYNDROME; Cutis verticis gyrata, retinitis pigmentosa, and sensorineural deafness. Identifiers: Orphanet 193, MedGen C0265223, MONDO:0008999, OMIM 216550.

Allele frequency attached by ClinVar (database versions not stated): gnomAD 0.00001 and 0.00002; ExAC 0.00004.
gnomAD v4.1: 34 of 1,614,032 alleles (0.0021%); highest among the groups gnomAD compares: South Asian, 0.032%; 1 homozygote.

Submissions (2):

Labcorp Genetics (formerly Invitae), Labcorp
Classification: Uncertain significance for Cohen syndrome. Last evaluated: 2025-02-19. Review status: criteria provided, single submitter. Criteria: Invitae Variant Classification Sherloc (09022015). Collection method: clinical testing. Allele origin: germline.
Comment: This sequence change replaces aspartic acid, which is acidic and polar, with histidine, which is basic and polar, at codon 370 of the VPS13B protein (p.Asp370His). This variant is present in population databases (rs748531719, gnomAD 0.02%). This variant has not been reported in the literature in individuals affected with VPS13B-related conditions. ClinVar contains an entry for this variant (Variation ID: 361040). Invitae Evidence Modeling of protein sequence and biophysical properties (such as structural, functional, and spatial information, amino acid conservation, physicochemical variation, residue mobility, and thermodynamic stability) indicates that this missense variant is not expected to disrupt VPS13B protein function with a negative predictive value of 80%. In summary, the available evidence is currently insufficient to determine the role of this variant in disease. Therefore, it has been classified as a Variant of Uncertain Significance.

Illumina Laboratory Services, Illumina
Classification: Uncertain significance for Cohen syndrome. Last evaluated: 2018-01-13. Review status: criteria provided, single submitter. Criteria: ICSL Variant Classification Criteria 13 December 2019. Collection method: clinical testing. Allele origin: germline.